The following is an entry in ClinVar:

ClinVar aggregate classification (germline): Uncertain significance (1 of 4 stars; one submission).

Conditions:
Short-rib thoracic dysplasia 11 with or without polydactyly (SRTD11). Also called: SHORT-RIB THORACIC DYSPLASIA 11 WITHOUT POLYDACTYLY. Identifiers: Orphanet 474, Orphanet 93271, MedGen C3810200, MONDO:0014287, OMIM 615633.

Submission:

Labcorp Genetics (formerly Invitae), Labcorp
Classification: Uncertain significance for Short-rib thoracic dysplasia 11 with or without polydactyly. Last evaluated: 2024-02-05. Review status: criteria provided, single submitter. Criteria: Invitae Variant Classification Sherloc (09022015). Collection method: clinical testing. Allele origin: germline.
Comment: This sequence change replaces proline, which is neutral and non-polar, with glutamine, which is neutral and polar, at codon 9 of the WDR34 protein (p.Pro9Gln). This variant is not present in population databases (gnomAD no frequency). This variant has not been reported in the literature in individuals affected with WDR34-related conditions. ClinVar contains an entry for this variant (Variation ID: 1681272). Algorithms developed to predict the effect of missense changes on protein structure and function output the following: SIFT: "Not Available"; PolyPhen-2: "Benign"; Align-GVGD: "Not Available". The glutamine amino acid residue is found in multiple mammalian species, which suggests that this missense change does not adversely affect protein function. In summary, the available evidence is currently insufficient to determine the role of this variant in disease. Therefore, it has been classified as a Variant of Uncertain Significance.

NM_052844.4(DYNC2I2):c.26C>A (p.Pro9Gln)

Gene: DYNC2I2 (dynein 2 intermediate chain 2; minus strand). Cytogenetic location: 9q34.11.
Variant type: single nucleotide variant.
Coding change: c.26C>A on transcript NM_052844.4 (MANE Select); coding-DNA position 26, C replaced by A.
Protein change: p.Pro9Gln; replaces proline 9 with glutamine.
Molecular consequence: missense variant.
Genome position (GRCh38, 1-based): chr9:128,656,701, G>T on the plus strand (C>A on the coding strand, the complement: DYNC2I2 is on the minus strand). VCF-style: chr9-128656701-G-T. GRCh37 (hg19) VCF-style: chr9-131418980-G-T.
Other names: short protein forms P9Q.
Identifiers: ClinVar variation 1681272 (VCV001681272.6), dbSNP rs748839336, ClinGen allele CA375051825.